The following is an entry in ClinVar:

NM_000038.6(APC):c.3287_3288del (p.Gln1096fs)

Gene: APC (APC regulator of Wnt signaling pathway; plus strand). Cytogenetic location: 5q22.2.
Variant type: Deletion.
Coding change: c.3287_3288del on transcript NM_000038.6 (MANE Select); coding-DNA positions 3287 to 3288, 2 bases deleted (AG; older notation c.3287_3288delAG).
Protein change: p.Gln1096fs; shifts the reading frame from glutamine 1096.
Molecular consequence: frameshift variant. On other transcripts: non-coding transcript variant (2).
Genome position (GRCh38, 1-based): chr5:112,838,881-112,838,882, AG deleted. VCF-style (leftmost placement, unchanged base first): chr5-112838880-CAG-C. GRCh37 (hg19) VCF-style: chr5-112174577-CAG-C.
Other names: c.3287_3288del, p.Gln1096fs (NM_001127510.3, NM_001354895.2, NM_001407450.1); c.3233_3234del, p.Gln1078fs (NM_001127511.3); c.3341_3342del, p.Gln1114fs (NM_001354896.2, NM_001407447.1, NM_001407448.1 and 1 more transcripts); c.3317_3318del, p.Gln1106fs (NM_001354897.2); c.3212_3213del, p.Gln1071fs (NM_001354898.2); c.3203_3204del, p.Gln1068fs (NM_001354899.2); c.3164_3165del, p.Gln1055fs (NM_001354900.2); c.3110_3111del, p.Gln1037fs (NM_001354901.2, NM_001407453.1); and 11 more; short protein forms Q813fs, Q936fs, Q967fs, Q970fs, Q995fs, Q1005fs, Q1013fs, Q1037fs.
Identifiers: ClinVar variation 2584209 (VCV002584209.2), dbSNP rs2533486627, ClinGen allele CA2582341504.

ClinVar aggregate classification (germline): Pathogenic (1 of 4 stars; one submission).

Conditions:
Familial adenomatous polyposis 1 (FAP1). Also called: FAMILIAL ADENOMATOUS POLYPOSIS 1, ATTENUATED; POLYPOSIS, ADENOMATOUS INTESTINAL. Identifiers: MedGen C2713442, MONDO:0021056, OMIM 175100. Disease mechanism: loss of function.

Submission:

Myriad Genetics, Inc.
Classification: Pathogenic for Familial adenomatous polyposis 1. Last evaluated: 2023-05-08. Review status: criteria provided, single submitter. Criteria: Myriad Autosomal Dominant, Autosomal Recessive and X-Linked Classification Criteria (2023). Collection method: clinical testing. Allele origin: unknown.
Comment: This variant is considered pathogenic. This variant creates a frameshift predicted to result in premature protein truncation.